The following is an entry in ClinVar:

NM_213655.5(WNK1):c.3022G>A (p.Gly1008Arg)

Gene: WNK1 (WNK lysine deficient protein kinase 1; plus strand). Cytogenetic location: 12p13.33.
Variant type: single nucleotide variant.
Coding change: c.3022G>A on transcript NM_213655.5 (MANE Plus Clinical); coding-DNA position 3022, G replaced by A.
Protein change: p.Gly1008Arg; replaces glycine 1008 with arginine.
Molecular consequence: missense variant. On other transcripts: intron variant (2).
Genome position (GRCh38, 1-based): chr12:868,493, G>A. VCF-style: chr12-868493-G-A. GRCh37 (hg19) VCF-style: chr12-977659-G-A.
Other names: c.2767G>A, p.Gly923Arg (NM_001184985.2); c.2140-2772G>A (NM_018979.4, NM_014823.3); short protein forms G1008R, G923R.
Identifiers: ClinVar variation 1420513 (VCV001420513.8), dbSNP rs372477108, ClinGen allele CA6382285.

ClinVar aggregate classification (germline): Uncertain significance (1 of 4 stars; one submission).

Conditions:
Neuropathy, hereditary sensory and autonomic, type 2A (HSAN2A). Also called: ACROOSTEOLYSIS, GIACCAI TYPE; ACROOSTEOLYSIS, NEUROGENIC; MORVAN DISEASE; NEUROPATHY, CONGENITAL SENSORY; NEUROPATHY, HEREDITARY SENSORY RADICULAR, AUTOSOMAL RECESSIVE; NEUROPATHY, HEREDITARY SENSORY, TYPE IIA. Identifiers: Orphanet 970, MedGen C2752089, MONDO:0024309, OMIM 201300.
Pseudohypoaldosteronism type 2C (PHA2C). Also called: Pseudohypoaldosteronism Type IIC. Identifiers: Orphanet 757, Orphanet 88940, MedGen C1840391, MONDO:0013778, OMIM 614492.

Allele frequency attached by ClinVar (database versions not stated): gnomAD 0.00001; TOPMed 0.00001.
gnomAD v4.1: 13 of 1,613,834 alleles (0.00081%); highest among the groups gnomAD compares: Middle Eastern, 0.049%; no homozygotes.

Submission:

Labcorp Genetics (formerly Invitae), Labcorp
Classification: Uncertain significance for Neuropathy, hereditary sensory and autonomic, type 2A; Pseudohypoaldosteronism type 2C. Last evaluated: 2024-05-21. Review status: criteria provided, single submitter. Criteria: Invitae Variant Classification Sherloc (09022015). Collection method: clinical testing. Allele origin: germline.
Comment: This sequence change replaces glycine, which is neutral and non-polar, with arginine, which is basic and polar, at codon 1008 of the WNK1 protein (p.Gly1008Arg). This variant is present in population databases (rs372477108, gnomAD 0.0009%). This variant has not been reported in the literature in individuals affected with WNK1-related conditions. ClinVar contains an entry for this variant (Variation ID: 1420513). Advanced modeling of protein sequence and biophysical properties (such as structural, functional, and spatial information, amino acid conservation, physicochemical variation, residue mobility, and thermodynamic stability) performed at Invitae indicates that this missense variant is not expected to disrupt WNK1 protein function with a negative predictive value of 95%. In summary, the available evidence is currently insufficient to determine the role of this variant in disease. Therefore, it has been classified as a Variant of Uncertain Significance.